The following is an entry in ClinVar:

NM_001572.5(IRF7):c.800C>G (p.Ala267Gly)

Gene: IRF7 (interferon regulatory factor 7; minus strand). Cytogenetic location: 11p15.5.
Variant type: single nucleotide variant.
Coding change: c.800C>G on transcript NM_001572.5 (MANE Select); coding-DNA position 800, C replaced by G.
Protein change: p.Ala267Gly; replaces alanine 267 with glycine.
Molecular consequence: missense variant.
Genome position (GRCh38, 1-based): chr11:613,832, G>C on the plus strand (C>G on the coding strand, the complement: IRF7 is on the minus strand). VCF-style: chr11-613832-G-C. GRCh37 (hg19) VCF-style: chr11-613832-G-C.
Other names: c.713C>G, p.Ala238Gly (NM_004029.4); c.839C>G, p.Ala280Gly (NM_004031.4); short protein forms A267G, A238G, A280G.
Identifiers: ClinVar variation 3688078 (VCV003688078.2).

ClinVar aggregate classification (germline): Uncertain significance (1 of 4 stars; one submission).

Conditions:
Immunodeficiency 39 (IMD39). Identifiers: Orphanet 574918, MedGen C4225358, MONDO:0014597, OMIM 616345.

Submission:

Labcorp Genetics (formerly Invitae), Labcorp
Classification: Uncertain significance for Immunodeficiency 39. Last evaluated: 2024-08-28. Review status: criteria provided, single submitter. Criteria: Invitae Variant Classification Sherloc (09022015). Collection method: clinical testing. Allele origin: germline.
Comment: This sequence change replaces alanine, which is neutral and non-polar, with glycine, which is neutral and non-polar, at codon 280 of the IRF7 protein (p.Ala280Gly). This variant is present in population databases (rs781427392, gnomAD 0.002%). This variant has not been reported in the literature in individuals affected with IRF7-related conditions. Invitae Evidence Modeling of protein sequence and biophysical properties (such as structural, functional, and spatial information, amino acid conservation, physicochemical variation, residue mobility, and thermodynamic stability) indicates that this missense variant is not expected to disrupt IRF7 protein function with a negative predictive value of 80%. In summary, the available evidence is currently insufficient to determine the role of this variant in disease. Therefore, it has been classified as a Variant of Uncertain Significance.